The following is an entry in ClinVar:

ClinVar aggregate classification (germline): Pathogenic. Review status: reviewed by expert panel (3 of 4 stars). 16 submissions from 16 submitters: Pathogenic (1). 15 of the submissions do not count toward it. Last evaluated 2016-09-08.

Conditions:
Inherited breast cancer and ovarian cancer.
BRCA2-related disorder. Also called: BRCA2-related condition; BRCA2-related disorders. Identifiers: MedGen CN239275.
Hereditary cancer-predisposing syndrome. Also called: Neoplastic Syndromes, Hereditary; Hereditary neoplastic syndrome; Tumor predisposition; Hereditary Cancer Syndrome. Identifiers: Orphanet 140162, MedGen C0027672, MeSH D009386, MONDO:0015356.
Hereditary breast ovarian cancer syndrome. Also called: Hereditary breast and/or ovarian cancer syndrome; Breast and ovarian cancer; BRCA1- and BRCA2-Associated Hereditary Breast and Ovarian Cancer; Hereditary breast and ovarian cancer; Hereditary breast and ovarian cancer syndrome; Hereditary breast and ovarian cancer syndrome (HBOC). Identifiers: Orphanet 145, MedGen C0677776, MeSH D061325, MONDO:0003582. Disease mechanism: loss of function.
Breast-ovarian cancer, familial, susceptibility to, 2 (BROVCA2). Also called: BRCA2 Hereditary Breast and Ovarian Cancer. Identifiers: Orphanet 145, MedGen C2675520, MONDO:0012933, OMIM 612555. Disease mechanism: loss of function.
Familial cancer of breast. Also called: BREAST CANCER, FAMILIAL; Hereditary breast cancer; hereditary breast carcinoma. Identifiers: Orphanet 227535, MedGen C0346153, MONDO:0016419, OMIM 114480. Disease mechanism: loss of function.

Submissions (16):

Evidence-based Network for the Interpretation of Germline Mutant Alleles (ENIGMA)
Classification: Pathogenic for Breast-ovarian cancer, familial, susceptibility to, 2. Last evaluated: 2016-09-08. Review status: reviewed by expert panel. Criteria: ENIGMA BRCA1/2 Classification Criteria (2015). Collection method: curation. Allele origin: germline.
Comment: Variant allele predicted to encode a truncated non-functional protein.

Labcorp Genetics (formerly Invitae), Labcorp
Classification: Pathogenic for Hereditary breast ovarian cancer syndrome. Last evaluated: 2025-10-31. Review status: criteria provided, single submitter. Criteria: Invitae Variant Classification Sherloc (09022015). Collection method: clinical testing. Allele origin: germline. Not counted in ClinVar's aggregate classification.
Comment: This sequence change creates a premature translational stop signal (p.Lys1239Asnfs*20) in the BRCA2 gene. It is expected to result in an absent or disrupted protein product. Loss-of-function variants in BRCA2 are known to be pathogenic (PMID: 20104584). This variant is not present in population databases (gnomAD no frequency). This premature translational stop signal has been observed in individual(s) with breast, ovarian cancers (PMID: 15131399, 18042939). This variant is also known as 3945delA. ClinVar contains an entry for this variant (Variation ID: 37855). For these reasons, this variant has been classified as Pathogenic.

Cambridge Genomics Laboratory, East Genomic Laboratory Hub, NHS Genomic Medicine Service
Classification: Pathogenic for Inherited breast cancer and ovarian cancer. Last evaluated: 2025-09-18. Review status: criteria provided, single submitter. Criteria: ACGS Best Practice Guidelines for Variant Classification in Rare Disease 2020. Collection method: clinical testing. Allele origin: germline. Affected: yes. Not counted in ClinVar's aggregate classification.
Comment: PVS1,PM2_Supporting,PM5_Strong

Blueprint Genetics
Classification: Pathogenic for BRCA2-related disorders. Last evaluated: 2024-11-18. Review status: criteria provided, single submitter. Criteria: ACMG Guidelines, 2015. Collection method: clinical testing. Allele origin: germline. Affected: yes. Observed: 5 variant alleles. Not counted in ClinVar's aggregate classification.

Ambry Genetics
Classification: Pathogenic for Hereditary cancer-predisposing syndrome. Last evaluated: 2024-11-01. Review status: criteria provided, single submitter. Criteria: Ambry Variant Classification Scheme 2023. Collection method: clinical testing. Allele origin: germline. Not counted in ClinVar's aggregate classification.
Comment: The c.3717delA pathogenic mutation, located in coding exon 10 of the BRCA2 gene, results from a deletion of one nucleotide at nucleotide position 3717, causing a translational frameshift with a predicted alternate stop codon (p.K1239Nfs*20). This mutation has been detected in multiple families with female breast cancer, male breast cancer, and/or ovarian cancer (Lubinski J et al. Fam. Cancer. 2004;3(1):1-10; Tchou J et al. Clin. Breast Cancer 2007 Jun;7:627-33; Tai YC et al. J. Natl. Cancer Inst. 2007 Dec 5;99(23):1811-4). Of note, this alteration is also designated as 3945delA in published literature. In addition to the clinical data presented in the literature, this alteration is expected to result in loss of function by premature protein truncation or nonsense-mediated mRNA decay. As such, this alteration is interpreted as a disease-causing mutation.

Clinical Genomics Laboratory, Washington University in St. Louis
Classification: Pathogenic for Breast-ovarian cancer, familial, susceptibility to, 2. Last evaluated: 2024-03-27. Review status: criteria provided, single submitter. Criteria: ACMG Guidelines, 2015. Collection method: clinical testing. Allele origin: germline. Not counted in ClinVar's aggregate classification.
Comment: The BRCA2 c.3717del (p.Lys1239Asnfs*20) variant, also published as 3945delA, has been reported in several individuals and families affected with hereditary breast and ovarian cancer (Breast Cancer Association Consortium, PMID: 33471991; Lubinski J et al., PMID: 15131399; Rebbeck TR et al., PMID: 29446198; Tai YC et al., PMID: 18042939; Tchou J et al., PMID: 17592676). This variant has been reported in the ClinVar database as a germline pathogenic variant by several submitters and is absent from the general population (gnomAD v.2.1.1), indicating it is not a common variant. This variant causes a frameshift by deleting a single nucleotide, leading to a premature termination codon, which is predicted to lead to nonsense mediated decay. Based on available information and the ACMG/AMP guidelines for variant interpretation (Richards S et al., PMID: 25741868), this variant is classified as pathogenic.

GeneDx
Classification: Pathogenic. Last evaluated: 2023-02-28. Review status: criteria provided, single submitter. Criteria: GeneDx Variant Classification Process June 2021. Collection method: clinical testing. Allele origin: germline. Affected: yes. Not counted in ClinVar's aggregate classification.
Comment: Frameshift variant predicted to result in protein truncation or nonsense mediated decay in a gene for which loss-of-function is a known mechanism of disease; Truncating variants in this gene are considered pathogenic by a well-established clinical consortium and/or database; Not observed at significant frequency in large population cohorts (gnomAD); Also known as 3945delA; This variant is associated with the following publications: (PMID: 15131399, 25673166, 18042939, 19620486, 17592676, 29446198, 32918181, 30787465, 33087929, 31892343, 31853058)

Color Diagnostics, LLC DBA Color Health
Classification: Pathogenic for Hereditary cancer-predisposing syndrome. Last evaluated: 2022-12-05. Review status: criteria provided, single submitter. Criteria: ACMG Guidelines, 2015. Collection method: clinical testing. Allele origin: germline. Not counted in ClinVar's aggregate classification.
Comment: This variant deletes 1 nucleotide in exon 11 of the BRCA2 gene, creating a frameshift and premature translation stop signal. This variant is expected to result in an absent or non-functional protein product. This variant has been detected in at least five individuals affected with breast cancer and in four suspected hereditary breast and ovarian cancer families (PMID: 15131399, 16912212, 17592676, 25673166, 33471991; Leiden Open Variation Database DB-ID BRCA2_004530; Color internal data). This variant has not been identified in the general population by the Genome Aggregation Database (gnomAD). Loss of BRCA2 function is a known mechanism of disease. Based on the available evidence, this variant is classified as Pathogenic.

Revvity Omics, Revvity
Classification: Pathogenic. Last evaluated: 2022-10-17. Review status: criteria provided, single submitter. Criteria: ACMG Guidelines, 2015. Collection method: clinical testing. Allele origin: germline. Not counted in ClinVar's aggregate classification.

Quest Diagnostics Nichols Institute San Juan Capistrano
Classification: Pathogenic. Last evaluated: 2022-09-15. Review status: criteria provided, single submitter. Criteria: Quest Diagnostics criteria. Collection method: clinical testing. Allele origin: unknown. Not counted in ClinVar's aggregate classification.
Comment: It has not been reported in large, multi-ethnic general populations. In the published literature, the variant has been reported in individuals with a personal and/or family history of breast cancer (PMID: 33471991 (2021), 17592676 (2007), 18042939 (2007), and 15131399 (2004)). Based on the available information, this variant is classified as pathogenic.

Laboratory for Molecular Medicine, Mass General Brigham Personalized Medicine
Classification: Pathogenic for Hereditary breast ovarian cancer syndrome. Last evaluated: 2019-10-14. Review status: criteria provided, single submitter. Criteria: ACMG Guidelines, 2015. Collection method: clinical testing. Allele origin: germline. Not counted in ClinVar's aggregate classification.
Comment: The p.Lys1239AsnfsX20 variant in BRCA2 (also referred to in the literature as c.3745delA) has been reported in at least 10 individuals with breast cancer and segregated with disease in at least 15 affected individuals from 2 families (Tchou 2007, Tai 2007, BIC database). It was absent from large population studies. This variant is predicted to cause a frameshift, which alters the protein’s amino acid sequence beginning at position 1239 and leads to a premature termination codon 20 amino acids downstream. This alteration is then predicted to lead to a truncated or absent protein. Loss of function of the BRCA2 gene is an established disease mechanism in autosomal dominant hereditary breast and ovarian cancer syndrome (HBOC). Additionally, this variant was classified as Pathogenic on Sept 8 2016 by the ClinGen-approved ENIGMA expert panel (Variation ID: 37855). In summary, this variant meets criteria to be classified as pathogenic for autosomal dominant HBOC. ACMG/AMP Criteria applied: PVS1, PP1_Strong, PM2.

Baylor Genetics
Classification: Pathogenic for Familial cancer of breast. Last evaluated: 2017-02-23. Review status: criteria provided, single submitter. Criteria: ACMG Guidelines, 2015. Collection method: clinical testing. Allele origin: germline. Inheritance: Autosomal dominant inheritance. Affected: yes. Observed: 1 variant allele. Not counted in ClinVar's aggregate classification.

Consortium of Investigators of Modifiers of BRCA1/2 (CIMBA), c/o University of Cambridge
Classification: Pathogenic for Breast-ovarian cancer, familial, susceptibility to, 2. Last evaluated: 2015-10-02. Review status: criteria provided, single submitter. Criteria: CIMBA Mutation Classification guidelines May 2016. Collection method: clinical testing. Allele origin: germline. Not counted in ClinVar's aggregate classification.

Research Molecular Genetics Laboratory, Women's College Hospital, University of Toronto
Classification: Pathogenic for Hereditary breast ovarian cancer syndrome. Last evaluated: 2014-01-31. Review status: no assertion criteria provided. Collection method: research. Allele origin: germline. Affected: yes. Study: The Canadian Open Genetics Repository (COGR). Not counted in ClinVar's aggregate classification.

Sharing Clinical Reports Project (SCRP)
Classification: Pathogenic for Breast-ovarian cancer, familial 2. Last evaluated: 2012-05-01. Review status: no assertion criteria provided. Collection method: clinical testing. Allele origin: germline. Not counted in ClinVar's aggregate classification.

Breast Cancer Information Core (BIC) (BRCA2)
Classification: Pathogenic for Breast-ovarian cancer, familial 2. Last evaluated: 2002-05-29. Review status: no assertion criteria provided. Collection method: clinical testing. Allele origin: germline. Affected: yes. Observed: 9 variant alleles. Not counted in ClinVar's aggregate classification.

Literature cited by the submitters: PubMed 20104584 (cited by Labcorp Genetics (formerly Invitae), Labcorp); PubMed 15131399 (cited by 3 submitters); PubMed 18042939 (cited by 3 submitters); PubMed 17592676 (cited by 4 submitters); PubMed 16912212 (cited by Color Diagnostics, LLC DBA Color Health); PubMed 25673166 (cited by Color Diagnostics, LLC DBA Color Health); PubMed 33471991 (cited by Color Diagnostics, LLC DBA Color Health and Quest Diagnostics Nichols Institute San Juan Capistrano); PubMed 29446198 (cited by Quest Diagnostics Nichols Institute San Juan Capistrano); PubMed 19620486 (cited by Quest Diagnostics Nichols Institute San Juan Capistrano).

NM_000059.4(BRCA2):c.3717del (p.Lys1239fs)

Gene: BRCA2 (BRCA2 DNA repair associated; plus strand). Cytogenetic location: 13q13.1.
Variant type: Deletion.
Coding change: c.3717del on transcript NM_000059.4 (MANE Select); coding-DNA position 3717, one base deleted (A; older notation c.3717delA).
Protein change: p.Lys1239fs; shifts the reading frame from lysine 1239.
Molecular consequence: frameshift variant.
Genome position (GRCh38, 1-based): chr13:32,338,072, A deleted; the last of 3 consecutive A bases (chr13:32,338,070-32,338,072); deleting any one gives the same sequence. VCF-style (leftmost placement, unchanged base first): chr13-32338069-GA-G. GRCh37 (hg19) VCF-style: chr13-32912206-GA-G.
Other names: 3945delA; c.3717delA (NM_000059.3).
Identifiers: ClinVar variation 37855 (VCV000037855.37), dbSNP rs80359401, ClinGen allele CA018654.